The following is an entry in ClinVar:

ClinVar aggregate classification (germline): Likely benign (1 of 4 stars; one submission).

gnomAD v4.1: 1 of 1,609,508 alleles (0.000062%); highest among the groups gnomAD compares: Non-Finnish European, 0.000085%; no homozygotes.

Submission:

GeneDx
Classification: Likely benign. Last evaluated: 2015-10-21. Review status: criteria provided, single submitter. Criteria: GeneDx Variant Classification (06012015). Collection method: clinical testing. Allele origin: germline. Affected: yes.
Comment: This variant is considered likely benign or benign based on one or more of the following criteria: it is a conservative change, it occurs at a poorly conserved position in the protein, it is predicted to be benign by multiple in silico algorithms, and/or has population frequency not consistent with disease.

NM_015443.4(KANSL1):c.1606A>G (p.Thr536Ala)

Gene: KANSL1 (KAT8 regulatory NSL complex subunit 1). Cytogenetic location: 17q21.31.
Variant type: single nucleotide variant.
Coding change: c.1606A>G on transcript NM_015443.4 (MANE Select); coding-DNA position 1606, A replaced by G.
Protein change: p.Thr536Ala; replaces threonine 536 with alanine.
Molecular consequence: missense variant.
Genome position (GRCh38, 1-based): chr17:46,067,595, T>C on the plus strand (A>G on the coding strand, the complement: KANSL1 is on the minus strand). VCF-style: chr17-46067595-T-C. GRCh37 (hg19) VCF-style: chr17-44144961-T-C.
Other names: c.1606A>G, p.Thr536Ala (NM_001193465.2, NM_001193466.2, NM_001379198.1); short protein forms T536A.
Identifiers: ClinVar variation 381117 (VCV000381117.1), dbSNP rs1057520967, ClinGen allele CA16607705.